The following is an entry in ClinVar:

NM_006790.3(MYOT):c.998C>T (p.Thr333Ile)

Genes: MYOT (myotilin; plus strand), PKD2L2-DT (PKD2L2 divergent transcript; minus strand). Cytogenetic location: 5q31.2.
Variant type: single nucleotide variant.
Coding change: c.998C>T on transcript NM_006790.3 (MANE Select); coding-DNA position 998, C replaced by T.
Protein change: p.Thr333Ile; replaces threonine 333 with isoleucine.
Molecular consequence: missense variant.
Genome position (GRCh38, 1-based): chr5:137,883,565, C>T. VCF-style: chr5-137883565-C-T. GRCh37 (hg19) VCF-style: chr5-137219254-C-T.
Other names: p.Thr333Ile; c.446C>T, p.Thr149Ile (NM_001135940.2); c.653C>T, p.Thr218Ile (NM_001300911.2); short protein forms T333I, T218I, T149I.
Identifiers: ClinVar variation 521779 (VCV000521779.18), dbSNP rs758194318, ClinGen allele CA3423081.

ClinVar aggregate classification (germline): Uncertain significance. Review status: criteria provided, multiple submitters, no conflicts (2 of 4 stars). 6 submissions from 6 submitters: Uncertain significance (6). Last evaluated 2025-03-05.

Conditions:
Myofibrillar myopathy 3 (MFM3). Also called: Autosomal dominant spheroid body myopathy; Muscular dystrophy, proximal, type 1A. Identifiers: Orphanet 266, Orphanet 268129, MedGen C3714934, MONDO:0012215, OMIM 609200.
Inborn genetic diseases. Identifiers: MedGen C0950123, MeSH D030342.

Allele frequency attached by ClinVar (database versions not stated): gnomAD 0.00001; gnomAD exomes 0.00001 and 0.00002; ExAC 0.00002; TOPMed 0.00002.
gnomAD v4.1: 11 of 1,613,974 alleles (0.00068%); highest among the groups gnomAD compares: Admixed American, 0.0033%; no homozygotes.

Submissions (6):

Labcorp Genetics (formerly Invitae), Labcorp
Classification: Uncertain significance for Myofibrillar myopathy 3. Last evaluated: 2025-03-05. Review status: criteria provided, single submitter. Criteria: Invitae Variant Classification Sherloc (09022015). Collection method: clinical testing. Allele origin: germline.
Comment: This sequence change replaces threonine, which is neutral and polar, with isoleucine, which is neutral and non-polar, at codon 333 of the MYOT protein (p.Thr333Ile). This variant is present in population databases (rs758194318, gnomAD 0.007%). This variant has not been reported in the literature in individuals affected with MYOT-related conditions. ClinVar contains an entry for this variant (Variation ID: 521779). Invitae Evidence Modeling of protein sequence and biophysical properties (such as structural, functional, and spatial information, amino acid conservation, physicochemical variation, residue mobility, and thermodynamic stability) indicates that this missense variant is not expected to disrupt MYOT protein function with a negative predictive value of 80%. In summary, the available evidence is currently insufficient to determine the role of this variant in disease. Therefore, it has been classified as a Variant of Uncertain Significance.

Revvity Omics, Revvity
Classification: Uncertain significance for Myofibrillar myopathy 3. Last evaluated: 2024-07-17. Review status: criteria provided, single submitter. Criteria: ACMG Guidelines, 2015. Collection method: clinical testing. Allele origin: germline.

Blueprint Genetics
Classification: Uncertain significance. Last evaluated: 2024-01-19. Review status: criteria provided, single submitter. Criteria: ACMG Guidelines, 2015. Collection method: clinical testing. Allele origin: germline.

Mayo Clinic Laboratories, Mayo Clinic
Classification: Uncertain significance. Last evaluated: 2023-05-04. Review status: criteria provided, single submitter. Criteria: ACMG Guidelines, 2015. Collection method: clinical testing. Allele origin: germline. Observed: 1 variant allele.

Centre for Mendelian Genomics, University Medical Centre Ljubljana
Classification: Uncertain significance for Myofibrillar myopathy 3. Last evaluated: 2020-02-21. Review status: criteria provided, single submitter. Criteria: ACMG Guidelines, 2015. Collection method: clinical testing. Allele origin: unknown. Affected: yes.
Comment: This variant was classified as: Uncertain significance. The available evidence on this variant's pathogenicity is insufficient or conflicting. The following ACMG criteria were applied in classifying this variant: PM2,PP3.

Ambry Genetics
Classification: Uncertain significance for Inborn genetic diseases. Last evaluated: 2017-05-09. Review status: criteria provided, single submitter. Criteria: Ambry exome assertion method (8-5-2015). Collection method: clinical testing. Allele origin: germline. Affected: yes. Observed: 1 variant allele.